The following is an entry in ClinVar:

ClinVar aggregate classification (germline): Likely pathogenic (1 of 4 stars; one submission).

Conditions:
Rubinstein-Taybi syndrome due to EP300 haploinsufficiency. Also called: RUBINSTEIN-TAYBI SYNDROME 2; EP300-Related Rubinstein-Taybi Syndrome. Identifiers: Orphanet 353284, Orphanet 783, MedGen C3150941, MONDO:0013364, OMIM 613684.

Submission:

3billion
Classification: Likely pathogenic for Rubinstein-Taybi syndrome due to EP300 haploinsufficiency. Last evaluated: 2023-06-23. Review status: criteria provided, single submitter. Criteria: ACMG Guidelines, 2015. Collection method: clinical testing. Allele origin: germline. Affected: yes.
Comment: The variant is not observed in the gnomAD v2.1.1 dataset. Predicted Consequence/Location: Frameshift: predicted to result in a loss or disruption of normal protein function through protein truncation. The predicted truncated protein may be shortened by more than 10%. Therefore, this variant is classified as Likely pathogenic according to the recommendation of ACMG/AMP guideline.

NM_001429.4(EP300):c.5752dup (p.Leu1918fs)

Gene: EP300 (EP300 lysine acetyltransferase; plus strand). Cytogenetic location: 22q13.2.
Variant type: Duplication.
Coding change: c.5752dup on transcript NM_001429.4 (MANE Select); coding-DNA position 5752, one base duplicated (C; older notation c.5752dupC).
Protein change: p.Leu1918fs; shifts the reading frame from leucine 1918.
Molecular consequence: frameshift variant.
Genome position (GRCh38, 1-based): chr22:41,177,463, C duplicated; the last of 4 consecutive C bases (chr22:41,177,460-41,177,463); duplicating any one gives the same sequence. VCF-style (leftmost placement, unchanged base first): chr22-41177459-A-AC. GRCh37 (hg19) VCF-style: chr22-41573463-A-AC.
Other names: c.5674dup, p.Leu1892fs (NM_001362843.2); short protein forms L1892fs, L1918fs.
Identifiers: ClinVar variation 3775926 (VCV003775926.1).